The following is an entry in ClinVar:

ClinVar aggregate classification (germline): Uncertain significance (1 of 4 stars; one submission).

Conditions:
Cardiovascular phenotype. Identifiers: MedGen CN230736.

Submission:

Ambry Genetics
Classification: Uncertain significance for Cardiovascular phenotype. Last evaluated: 2021-07-30. Review status: criteria provided, single submitter. Criteria: Ambry Variant Classification Scheme 2023. Collection method: clinical testing. Allele origin: germline.
Comment: The p.A184E variant (also known as c.551C>A) is located in coding exon 7 of the TRDN gene. The alanine at codon 184 is replaced by glutamic acid, an amino acid with dissimilar properties. This change occurs in the first base pair of coding exon 7. This amino acid position is conserved. In addition, this alteration is predicted to be tolerated by in silico analysis. Since supporting evidence is limited at this time, the clinical significance of this alteration remains unclear.

NM_006073.4(TRDN):c.551C>A (p.Ala184Glu)

Gene: TRDN (triadin; minus strand). Cytogenetic location: 6q22.31.
Variant type: single nucleotide variant.
Coding change: c.551C>A on transcript NM_006073.4 (MANE Select); coding-DNA position 551, C replaced by A.
Protein change: p.Ala184Glu; replaces alanine 184 with glutamic acid.
Molecular consequence: missense variant.
Genome position (GRCh38, 1-based): chr6:123,512,362, G>T on the plus strand (C>A on the coding strand, the complement: TRDN is on the minus strand). VCF-style: chr6-123512362-G-T. GRCh37 (hg19) VCF-style: chr6-123833507-G-T.
Other names: c.551C>A, p.Ala184Glu (NM_001251987.2, NM_001256020.2, NM_001256021.2 and 1 more transcripts); short protein forms A184E.
Identifiers: ClinVar variation 1748070 (VCV001748070.2), dbSNP rs1779225856, ClinGen allele CA365568152.